The following is an entry in ClinVar:

NM_006885.4(ZFHX3):c.9533T>C (p.Leu3178Pro)

Genes: ZFHX3 (zinc finger homeobox 3; minus strand), ZFHX3-AS1 (ZFHX3 antisense RNA 1; plus strand). Cytogenetic location: 16q22.2.
Variant type: single nucleotide variant.
Coding change: c.9533T>C on transcript NM_006885.4 (MANE Select); coding-DNA position 9533, T replaced by C.
Protein change: p.Leu3178Pro; replaces leucine 3178 with proline.
Molecular consequence: missense variant.
Genome position (GRCh38, 1-based): chr16:72,788,743, A>G on the plus strand (T>C on the coding strand, the complement: ZFHX3 is on the minus strand). VCF-style: chr16-72788743-A-G. GRCh37 (hg19) VCF-style: chr16-72822642-A-G.
Other names: c.6791T>C, p.Leu2264Pro (NM_001164766.2); c.9533T>C, p.Leu3178Pro (NM_001386735.1); short protein forms L2264P, L3178P.
Identifiers: ClinVar variation 4996569 (VCV004996569.1).

ClinVar aggregate classification (germline): Uncertain significance (1 of 4 stars; one submission).

Conditions:
ZFHX3-related disorder. Also called: ZFHX3-related condition.

Submission:

PreventionGenetics, part of Exact Sciences
Classification: Uncertain significance for ZFHX3-related condition. Last evaluated: 2025-08-30. Review status: criteria provided, single submitter. Criteria: ACMG Guidelines, 2015. Collection method: clinical testing. Allele origin: germline.
Comment: The ZFHX3 c.9533T>C variant is predicted to result in the amino acid substitution p.Leu3178Pro. To our knowledge, this variant has not been reported in the literature or in a large population database (gnomAD), indicating this variant is rare. At this time, the clinical significance of this variant is uncertain due to the absence of conclusive functional and genetic evidence.